The following is an entry in ClinVar:

ClinVar aggregate classification (germline): Likely benign (1 of 4 stars; one submission).

Conditions:
KCNQ1-related disorder. Also called: KCNQ1-related condition; KCNQ1-related disorders. Identifiers: MedGen CN239322.

Submission:

PreventionGenetics, part of Exact Sciences
Classification: Likely benign for KCNQ1-related condition. Last evaluated: 2024-12-10. Review status: criteria provided, single submitter. Criteria: ACMG Guidelines, 2015. Collection method: clinical testing. Allele origin: germline.
Comment: This variant is classified as likely benign based on ACMG/AMP sequence variant interpretation guidelines (Richards et al. 2015 PMID: 25741868, with internal and published modifications).

NM_000218.3(KCNQ1):c.1514+28034C>G

Genes: KCNQ1 (potassium voltage-gated channel subfamily Q member 1; plus strand), KCNQ1OT1 (KCNQ1 opposite strand/antisense transcript 1; minus strand). Cytogenetic location: 11p15.5.
Variant type: single nucleotide variant.
Coding change: c.1514+28034C>G on transcript NM_000218.3 (MANE Select); 28034 bases into the intron after coding-DNA position 1514, C replaced by G.
Molecular consequence: intron variant. On other transcripts: non-coding transcript variant (1).
Genome position (GRCh38, 1-based): chr11:2,690,115, C>G. VCF-style: chr11-2690115-C-G. GRCh37 (hg19) VCF-style: chr11-2711345-C-G.
Other names: c.1244+28034C>G (NM_001406837.1); c.1418+28034C>G (NM_001406836.1); c.974+28034C>G (NM_001406838.1); c.1133+28034C>G (NM_181798.2).
Identifiers: ClinVar variation 4982784 (VCV004982784.1).